The following is an entry in ClinVar:

ClinVar aggregate classification (germline): Benign/Likely benign. Review status: criteria provided, multiple submitters, no conflicts (2 of 4 stars). 11 submissions from 11 submitters: Benign (8); Likely benign (1). 2 of the submissions do not count toward it. Last evaluated 2026-02-04.

Conditions:
Purine-nucleoside phosphorylase deficiency. Also called: NUCLEOSIDE PHOSPHORYLASE DEFICIENCY; Immunodeficiency due to purine nucleoside phosphorylase deficiency. Identifiers: Orphanet 760, MedGen C0268125, MONDO:0013171, OMIM 613179.

Allele frequency attached by ClinVar (database versions not stated): gnomAD exomes 0.18313 and 0.19129; ExAC 0.19324; ESP Exome Variant Server 0.19829; gnomAD 0.20360 and 0.20563; 1000 Genomes Project 30x 0.20425; 1000 Genomes Project 0.20447; TOPMed 0.21093.
gnomAD v4.1: 298,120 of 1,609,224 alleles (19%); highest among the groups gnomAD compares: African/African-American, 25%; 28,595 homozygotes.

Submissions (11):

Labcorp Genetics (formerly Invitae), Labcorp
Classification: Benign for Purine-nucleoside phosphorylase deficiency. Last evaluated: 2026-02-04. Review status: criteria provided, single submitter. Criteria: Invitae Variant Classification Sherloc (09022015). Collection method: clinical testing. Allele origin: germline.

Blueprint Genetics
Classification: Likely benign. Last evaluated: 2024-11-27. Review status: criteria provided, single submitter. Criteria: ACMG Guidelines, 2015. Collection method: clinical testing. Allele origin: germline.

Unidad de Genómica Garrahan, Hospital de Pediatría Garrahan
Classification: Benign. Last evaluated: 2024-01-24. Review status: criteria provided, single submitter. Criteria: ACMG Guidelines, 2015. Collection method: clinical testing. Allele origin: germline. Affected: no. Observed: 34 variant alleles.
Comment: This variant is classified as Benign based on local population frequency. This variant was detected in 36% of patients studied by a panel of primary immunodeficiencies. Number of patients: 34. Only high quality variants are reported.

Mayo Clinic Laboratories, Mayo Clinic
Classification: Benign. Last evaluated: 2022-03-24. Review status: criteria provided, single submitter. Criteria: ACMG Guidelines, 2015. Collection method: clinical testing. Allele origin: germline. Observed: 134 variant alleles.

Genome-Nilou Lab
Classification: Benign for Purine-nucleoside phosphorylase deficiency. Last evaluated: 2021-10-25. Review status: criteria provided, single submitter. Criteria: ACMG Guidelines, 2015. Collection method: clinical testing. Allele origin: germline. Affected: no.

Illumina Laboratory Services, Illumina
Classification: Benign for Purine-nucleoside phosphorylase deficiency. Last evaluated: 2018-01-12. Review status: criteria provided, single submitter. Criteria: ICSL Variant Classification Criteria 13 December 2019. Collection method: clinical testing. Allele origin: germline.
Comment: This variant was observed in the ICSL laboratory as part of a predisposition screen in an ostensibly healthy population. It had not been previously curated by ICSL or reported in the Human Gene Mutation Database (HGMD: prior to June 1st, 2018), and was therefore a candidate for classification through an automated scoring system. Utilizing variant allele frequency, disease prevalence and penetrance estimates, and inheritance mode, an automated score was calculated to assess if this variant is too frequent to cause the disease. Based on the score and internal cut-off values, a variant classified as benign is not then subjected to further curation. The score for this variant resulted in a classification of benign for this disease.

Laboratory for Molecular Medicine, Mass General Brigham Personalized Medicine
Classification: Benign. Last evaluated: 2016-03-28. Review status: criteria provided, single submitter. Criteria: LMM Criteria. Collection method: clinical testing. Allele origin: germline.
Comment: Variant identified in a genome or exome case(s) and assessed due to predicted null impact of the variant or pathogenic assertions in the literature or databases. Disclaimer: This variant has not undergone full assessment. The following are preliminary notes: Frequency

GeneDx
Classification: Benign. Last evaluated: 2013-01-07. Review status: criteria provided, single submitter. Criteria: GeneDx Variant Classification (06012015). Collection method: clinical testing. Allele origin: germline. Affected: yes.
Comment: This variant is considered likely benign or benign based on one or more of the following criteria: it is a conservative change, it occurs at a poorly conserved position in the protein, it is predicted to be benign by multiple in silico algorithms, and/or has population frequency not consistent with disease.

Breakthrough Genomics
Classification: Benign. Review status: criteria provided, single submitter. Criteria: ACMG Guidelines, 2015. Collection method: not provided. Allele origin: germline. Inheritance: Autosomal recessive inheritance. Affected: yes.

Clinical Genetics, Academic Medical Center
Classification: Benign. Review status: no assertion criteria provided. Collection method: clinical testing. Allele origin: germline. Affected: yes. Study: VKGL Data-share Consensus. Not counted in ClinVar's aggregate classification.

Diagnostic Laboratory, Department of Genetics, University Medical Center Groningen
Classification: Benign for Purine-nucleoside phosphorylase deficiency. Review status: no assertion criteria provided. Collection method: clinical testing. Allele origin: germline. Affected: yes. Study: VKGL Data-share Consensus. Not counted in ClinVar's aggregate classification.

NM_000270.4(PNP):c.171C>T (p.Pro57=)

Gene: PNP (purine nucleoside phosphorylase; plus strand). Cytogenetic location: 14q11.2.
Variant type: single nucleotide variant.
Coding change: c.171C>T on transcript NM_000270.4 (MANE Select); coding-DNA position 171, C replaced by T.
Protein change: p.Pro57=; no amino-acid change (proline 57 retained).
Molecular consequence: synonymous variant.
Genome position (GRCh38, 1-based): chr14:20,472,467, C>T. VCF-style: chr14-20472467-C-T. GRCh37 (hg19) VCF-style: chr14-20940626-C-T.
Other names: p.P57P:CCC>CCT; p.Pro57=.
Identifiers: ClinVar variation 138730 (VCV000138730.25), dbSNP rs1130650, ClinGen allele CA292810.